The following is an entry in ClinVar:

ClinVar aggregate classification (germline): Uncertain significance (1 of 4 stars; one submission).

Conditions:
Deficiency of 3-hydroxyacyl-CoA dehydrogenase. Also called: HADH DEFICIENCY; 3-hydroxyacyl-CoA dehydrogenase deficiency. Identifiers: Orphanet 309127, Orphanet 71212, MedGen C1291230, MONDO:0017715, OMIM 231530.

Submission:

Labcorp Genetics (formerly Invitae), Labcorp
Classification: Uncertain significance for Deficiency of 3-hydroxyacyl-CoA dehydrogenase. Last evaluated: 2022-07-20. Review status: criteria provided, single submitter. Criteria: Invitae Variant Classification Sherloc (09022015). Collection method: clinical testing. Allele origin: germline.
Comment: This sequence change replaces histidine, which is basic and polar, with tyrosine, which is neutral and polar, at codon 278 of the HADH protein (p.His278Tyr). This variant is not present in population databases (gnomAD no frequency). This variant has not been reported in the literature in individuals affected with HADH-related conditions. Algorithms developed to predict the effect of missense changes on protein structure and function output the following: SIFT: "Tolerated"; PolyPhen-2: "Benign"; Align-GVGD: "Class C0". The tyrosine amino acid residue is found in multiple mammalian species, which suggests that this missense change does not adversely affect protein function. In summary, the available evidence is currently insufficient to determine the role of this variant in disease. Therefore, it has been classified as a Variant of Uncertain Significance.

NM_005327.7(HADH):c.832C>T (p.His278Tyr)

Gene: HADH (hydroxyacyl-CoA dehydrogenase; plus strand). Cytogenetic location: 4q25.
Variant type: single nucleotide variant.
Coding change: c.832C>T on transcript NM_005327.7 (MANE Select); coding-DNA position 832, C replaced by T.
Protein change: p.His278Tyr; replaces histidine 278 with tyrosine.
Molecular consequence: missense variant.
Genome position (GRCh38, 1-based): chr4:108,034,244, C>T. VCF-style: chr4-108034244-C-T. GRCh37 (hg19) VCF-style: chr4-108955400-C-T.
Other names: c.883C>T, p.His295Tyr (NM_001184705.4); c.844C>T, p.His282Tyr (NM_001331027.2); short protein forms H295Y, H278Y, H282Y.
Identifiers: ClinVar variation 1916240 (VCV001916240.2), dbSNP rs1449681265, ClinGen allele CA357830357.